The following is an entry in ClinVar:

NM_020778.5(ALPK3):c.2729del (p.Pro910fs)

Gene: ALPK3 (alpha kinase 3; plus strand). Cytogenetic location: 15q25.3.
Variant type: Deletion.
Coding change: c.2729del on transcript NM_020778.5 (MANE Select); coding-DNA position 2729, one base deleted (C; older notation c.2729delC).
Protein change: p.Pro910fs; shifts the reading frame from proline 910.
Molecular consequence: frameshift variant.
Genome position (GRCh38, 1-based): chr15:84,857,467, C deleted; the last of 4 consecutive C bases (chr15:84,857,464-84,857,467); deleting any one gives the same sequence. VCF-style (leftmost placement, unchanged base first): chr15-84857463-GC-G. GRCh37 (hg19) VCF-style: chr15-85400694-GC-G.
Other names: short protein forms P910fs.
Identifiers: ClinVar variation 1456562 (VCV001456562.6), dbSNP rs2141568204, ClinGen allele CA2573151299.

ClinVar aggregate classification (germline): Pathogenic (1 of 4 stars; one submission).

Submission:

Labcorp Genetics (formerly Invitae), Labcorp
Classification: Pathogenic. Last evaluated: 2022-05-12. Review status: criteria provided, single submitter. Criteria: Invitae Variant Classification Sherloc (09022015). Collection method: clinical testing. Allele origin: germline.
Comment: For these reasons, this variant has been classified as Pathogenic. This variant has not been reported in the literature in individuals affected with ALPK3-related conditions. This variant is not present in population databases (gnomAD no frequency). This sequence change creates a premature translational stop signal (p.Pro1112Glnfs*48) in the ALPK3 gene. It is expected to result in an absent or disrupted protein product. Loss-of-function variants in ALPK3 are known to be pathogenic (PMID: 21441111, 26846950, 27106955, 34263907).

Literature cited by the submitters: PubMed 21441111; PubMed 26846950; PubMed 27106955; PubMed 34263907.